The following is an entry in ClinVar:

ClinVar aggregate classification (germline): Uncertain significance (1 of 4 stars; one submission).

Conditions:
Brugada syndrome. Also called: Sudden unexpected nocturnal death syndrome; Sudden Unexplained Death Syndrome; Sudden Unexplained Nocturnal Death Syndrome (SUNDS); Sudden unexplained nocturnal death syndrome. Identifiers: Orphanet 130, MedGen C1142166, MONDO:0015263.

Submission:

Labcorp Genetics (formerly Invitae), Labcorp
Classification: Uncertain significance for Brugada syndrome. Last evaluated: 2022-05-28. Review status: criteria provided, single submitter. Criteria: Invitae Variant Classification Sherloc (09022015). Collection method: clinical testing. Allele origin: germline.
Comment: This variant results in a copy number gain of the genomic region encompassing exon(s) 1-2 of the CACNA2D1 gene. This region includes the initiator codon of the gene. This copy number gain extends beyond the assayed region for this gene and therefore may encompass additional genes. As the precise location of this event is unknown, it may be in tandem or it may be located elsewhere in the genome. This variant has not been reported in the literature in individuals affected with CACNA2D1-related conditions. Experimental studies and prediction algorithms are not available or were not evaluated, and the functional significance of this variant is currently unknown. In summary, the available evidence is currently insufficient to determine the role of this variant in disease. Therefore, it has been classified as a Variant of Uncertain Significance.

NC_000007.13:g.(?_81978864)_(82072775_?)dup

Gene: CACNA2D1 (calcium voltage-gated channel auxiliary subunit alpha2delta 1; minus strand). Cytogenetic location: 7q21.11.
Variant type: Duplication.
Identifiers: ClinVar variation 2423382 (VCV002423382.3).